The following is an entry in ClinVar:

NM_001244008.2(KIF1A):c.1681G>A (p.Glu561Lys)

Gene: KIF1A (kinesin family member 1A; minus strand). Cytogenetic location: 2q37.3.
Variant type: single nucleotide variant.
Coding change: c.1681G>A on transcript NM_001244008.2 (MANE Select); coding-DNA position 1681, G replaced by A.
Protein change: p.Glu561Lys; replaces glutamic acid 561 with lysine.
Molecular consequence: missense variant.
Genome position (GRCh38, 1-based): chr2:240,766,918, C>T on the plus strand (G>A on the coding strand, the complement: KIF1A is on the minus strand). VCF-style: chr2-240766918-C-T. GRCh37 (hg19) VCF-style: chr2-241706335-C-T.
Other names: c.1654G>A (NM_004321.5); c.1681G>A, p.Glu561Lys (NM_001320705.2, NM_001330289.2, NM_001379638.1); c.1756G>A, p.Glu586Lys (NM_001330290.2, NM_001379631.1, NM_001379634.1 and 2 more transcripts); c.1654G>A, p.Glu552Lys (NM_001379632.1, NM_001379633.1, NM_001379636.1 and 10 more transcripts); c.1729G>A, p.Glu577Lys (NM_001379637.1, NM_001379648.1); c.1681G>A (NM_001244008.1); short protein forms E561K, E552K, E577K, E586K.
Identifiers: ClinVar variation 1405447 (VCV001405447.13), dbSNP rs957698209, ClinGen allele CA68174557.

ClinVar aggregate classification (germline): Uncertain significance. Review status: criteria provided, multiple submitters, no conflicts (2 of 4 stars). 4 submissions from 4 submitters: Uncertain significance (4). Last evaluated 2025-12-16.

Conditions:
KIF1A-related disorder. Also called: KIF1A-related disorders; KIF1A-related condition.
Inborn genetic diseases. Identifiers: MedGen C0950123, MeSH D030342.
Hereditary spastic paraplegia 30. Identifiers: Orphanet 101010, MedGen C5235139, MONDO:0012476.
Neuropathy, hereditary sensory, type 2C. Also called: Hereditary sensory and autonomic neuropathy type IIC; KIF1A-Related HSAN2 (HSAN2C). Identifiers: Orphanet 970, MedGen C3280168, MONDO:0013634, OMIM 614213.
Intellectual disability, autosomal dominant 9 (NESCAVS). Also called: NESCAV SYNDROME; KIF1A-Related Neurodevelopmental Disorder. Identifiers: Orphanet 662367, MedGen C5393830, MONDO:0013656, OMIM 614255.

Allele frequency attached by ClinVar (database versions not stated): gnomAD exomes below 0.00001.
gnomAD v4.1: 5 of 1,605,580 alleles (0.00031%); highest among the groups gnomAD compares: Non-Finnish European, 0.00034%; no homozygotes.

Submissions (4):

PreventionGenetics, part of Exact Sciences
Classification: Uncertain significance for KIF1A-related condition. Last evaluated: 2025-12-16. Review status: criteria provided, single submitter. Criteria: ACMG Guidelines, 2015. Collection method: clinical testing. Allele origin: germline.
Comment: The KIF1A c.1681G>A variant is predicted to result in the amino acid substitution p.Glu561Lys. To our knowledge, this variant has not been reported in the literature. This variant is reported in 0.00093% of alleles in individuals of European (Non-Finnish) descent in gnomAD. At this time, the clinical significance of this variant is uncertain due to the absence of conclusive functional and genetic evidence.

Ambry Genetics
Classification: Uncertain significance for Inborn genetic diseases. Last evaluated: 2025-04-25. Review status: criteria provided, single submitter. Criteria: Ambry Variant Classification Scheme 2023. Collection method: clinical testing. Allele origin: germline.
Comment: The c.1654G>A (p.E552K) alteration is located in exon 18 (coding exon 17) of the KIF1A gene. This alteration results from a G to A substitution at nucleotide position 1654, causing the glutamic acid (E) at amino acid position 552 to be replaced by a lysine (K). Based on data from gnomAD, the A allele has an overall frequency of <0.001% (1/238692) total alleles studied. The highest observed frequency was 0.001% (1/107712) of European (non-Finnish) alleles. This amino acid position is highly conserved in available vertebrate species. This missense alteration is located in a region that has a low rate of benign missense variation (Lek, 2016; Firth, 2009). This alteration is predicted to be tolerated by in silico analysis. Based on insufficient or conflicting evidence, the clinical significance of this alteration remains unclear.

Labcorp Genetics (formerly Invitae), Labcorp
Classification: Uncertain significance for Hereditary spastic paraplegia 30; Neuropathy, hereditary sensory, type 2C; Intellectual disability, autosomal dominant 9. Last evaluated: 2022-04-12. Review status: criteria provided, single submitter. Criteria: Invitae Variant Classification Sherloc (09022015). Collection method: clinical testing. Allele origin: germline.
Comment: This variant has not been reported in the literature in individuals affected with KIF1A-related conditions. The frequency data for this variant in the population databases is considered unreliable, as metrics indicate poor data quality at this position in the gnomAD database. This sequence change replaces glutamic acid, which is acidic and polar, with lysine, which is basic and polar, at codon 552 of the KIF1A protein (p.Glu552Lys). Algorithms developed to predict the effect of missense changes on protein structure and function (SIFT, PolyPhen-2, Align-GVGD) all suggest that this variant is likely to be tolerated. In summary, the available evidence is currently insufficient to determine the role of this variant in disease. Therefore, it has been classified as a Variant of Uncertain Significance.

Blueprint Genetics
Classification: Uncertain significance. Last evaluated: 2021-03-10. Review status: criteria provided, single submitter. Criteria: ACMG Guidelines, 2015. Collection method: clinical testing. Allele origin: germline.